The following is an entry in ClinVar:

ClinVar aggregate classification (germline): Pathogenic (1 of 4 stars; one submission).

Conditions:
Familial cancer of breast. Also called: Hereditary breast cancer; BREAST CANCER, FAMILIAL; hereditary breast carcinoma. Identifiers: Orphanet 227535, MedGen C0346153, MONDO:0016419, OMIM 114480. Disease mechanism: loss of function.

Submission:

Myriad Genetics, Inc.
Classification: Pathogenic for Familial cancer of breast. Last evaluated: 2023-06-28. Review status: criteria provided, single submitter. Criteria: Myriad Autosomal Dominant, Autosomal Recessive and X-Linked Classification Criteria (2023). Collection method: clinical testing. Allele origin: unknown.
Comment: This variant is considered pathogenic. This variant creates a frameshift predicted to result in premature protein truncation.

NM_007194.4(CHEK2):c.1350del (p.Val451fs)

Gene: CHEK2 (checkpoint kinase 2; minus strand). Cytogenetic location: 22q12.1.
Variant type: Deletion.
Coding change: c.1350del on transcript NM_007194.4 (MANE Select); coding-DNA position 1350, one base deleted (A; older notation c.1350delA).
Protein change: p.Val451fs; shifts the reading frame from valine 451.
Molecular consequence: frameshift variant.
Genome position (GRCh38, 1-based): chr22:28,695,152, T deleted on the plus strand (A on the coding strand, the reverse complement: CHEK2 is on the minus strand); the first of 2 consecutive T bases (chr22:28,695,152-28,695,153); deleting either gives the same sequence. VCF-style (leftmost placement, unchanged base first): chr22-28695151-CT-C. GRCh37 (hg19) VCF-style: chr22-29091139-CT-C.
Other names: c.1478delA, p.Val494Serfs (NM_001005735.3); c.686delA, p.Val230Serfs (NM_001257387.3); c.1148delA, p.Val384Serfs (NM_001349956.3); c.1262delA, p.Val422Serfs (NM_145862.3); short protein forms V230fs, V384fs, V422fs, V451fs, V494fs.
Identifiers: ClinVar variation 2583203 (VCV002583203.2), dbSNP rs2517795563, ClinGen allele CA2582342762.
Genomic context (GRCh38, chr22:28,695,151, plus strand): 5'-GCATACCACAAATTCTTAACCCTTTCATATTCATACCTTTCTCTGAGACTTCTGCCCAGA[CT>C]TCAGGAATGAAGTTGTATTTTCCACTGGTGATCTGATCCTTCAGTGACACTTGAGTCCTA-3'